The following is an entry in ClinVar:

NM_001723.7(DST):c.4049C>T (p.Thr1350Met)

Gene: DST (dystonin; minus strand). Cytogenetic location: 6p12.1.
Variant type: single nucleotide variant.
Coding change: c.4049C>T on transcript NM_001723.7 (MANE Plus Clinical); coding-DNA position 4049, C replaced by T.
Protein change: p.Thr1350Met; replaces threonine 1350 with methionine.
Molecular consequence: missense variant. On other transcripts: intron variant (10).
Genome position (GRCh38, 1-based): chr6:56,619,985, G>A on the plus strand (C>T on the coding strand, the complement: DST is on the minus strand). VCF-style: chr6-56619985-G-A. GRCh37 (hg19) VCF-style: chr6-56484783-G-A.
Other names: c.4830+4545C>T (NM_001144769.5); c.4929+4545C>T (NM_001374722.1, NM_001374736.1); c.4956+4545C>T (NM_001374734.1); c.4416+4545C>T (NM_001144770.2); c.4296+4545C>T (NM_001374730.1, NM_001386100.1, NM_183380.4 and 1 more transcripts); c.3318+4545C>T (NM_015548.5); short protein forms T1350M.
Identifiers: ClinVar variation 357581 (VCV000357581.46), dbSNP rs45472691, ClinGen allele CA3870609.
Genomic context (GRCh38, chr6:56,619,985, plus strand): 5'-TCATCTACCTGCTGTTTGAGTTCTTCTGCTTTCTGCTTGTCATGTTCTTGCTGGAGACCC[G>A]TTACTGCCCTGCATGATGTAGCCTGTGTGATCGGACACACTGGCAATGCATTTTCTCTAC-3'
Protein context (NP_001714.1, residues 1340-1360): ITQATSCRAV[Thr1350Met]GLQQEHDKQK

ClinVar aggregate classification (germline): Conflicting classifications of pathogenicity. Review status: criteria provided, conflicting classifications (1 of 4 stars). 5 submissions from 5 submitters: Uncertain significance (1); Likely benign (3). 1 of the submissions does not count toward it. Last evaluated 2026-08-01.

Conditions:
Hereditary sensory and autonomic neuropathy type 6. Also called: HSAN VI; Neuropathy, hereditary sensory and autonomic, type VI. Identifiers: Orphanet 314381, MedGen C3539003, MONDO:0013839, OMIM 614653.
Epidermolysis bullosa simplex 3, localized or generalized intermediate, with BP230 deficiency (EBS3). Also called: Epidermolysis bullosa simplex, autosomal recessive 2; Epidermolysis bullosa simplex due to BP230 deficiency. Identifiers: Orphanet 412181, MedGen C3809470, MONDO:0014180, OMIM 615425.
DST-related disorder. Also called: DST-related disorders; DST-related condition.

Allele frequency attached by ClinVar (database versions not stated): 1000 Genomes Project 0.00040; 1000 Genomes Project 30x 0.00047; TOPMed 0.00086; ESP Exome Variant Server 0.00115; gnomAD 0.00130 and 0.00137; gnomAD exomes 0.00149 and 0.00158; ExAC 0.00155.
gnomAD v4.1: 2,388 of 1,613,928 alleles (0.15%); highest among the groups gnomAD compares: Non-Finnish European, 0.14%; 3 homozygotes.

Submissions (5):

CeGaT Center for Human Genetics Tuebingen
Classification: Likely benign. Last evaluated: 2026-08-01. Review status: criteria provided, single submitter. Criteria: CeGaT Center For Human Genetics Tuebingen Variant Classification Criteria Version 2. Collection method: clinical testing. Allele origin: germline. Affected: yes. Observed: 6 variant alleles.
Comment: DST: BP4

GeneDx
Classification: Uncertain significance. Last evaluated: 2026-07-09. Review status: criteria provided, single submitter. Criteria: GeneDx Variant Classification Process June 2021. Collection method: clinical testing. Allele origin: germline.
Comment: In silico analysis suggests that this missense variant does not alter protein structure/function; Has not been previously published as pathogenic or benign to our knowledge; Reported using the transcript encoding the epithelial isoform of the gene

Labcorp Genetics (formerly Invitae), Labcorp
Classification: Likely benign for Epidermolysis bullosa simplex 3, localized or generalized intermediate, with BP230 deficiency; Hereditary sensory and autonomic neuropathy type 6. Last evaluated: 2026-02-02. Review status: criteria provided, single submitter. Criteria: Invitae Variant Classification Sherloc (09022015). Collection method: clinical testing. Allele origin: germline.

Blueprint Genetics
Classification: Likely benign. Last evaluated: 2024-11-22. Review status: criteria provided, single submitter. Criteria: ACMG Guidelines, 2015. Collection method: clinical testing. Allele origin: germline.

PreventionGenetics, part of Exact Sciences
Classification: Likely benign for DST-related condition. Last evaluated: 2020-03-09. Review status: no assertion criteria provided. Collection method: clinical testing. Allele origin: germline. Not counted in ClinVar's aggregate classification.
Comment: This variant is classified as likely benign based on ACMG/AMP sequence variant interpretation guidelines (Richards et al. 2015 PMID: 25741868, with internal and published modifications).